The following is an entry in ClinVar:

NM_005591.4(MRE11):c.2039T>A (p.Val680Glu)

Gene: MRE11 (MRE11 double strand break repair nuclease; minus strand). Cytogenetic location: 11q21.
Variant type: single nucleotide variant.
Coding change: c.2039T>A on transcript NM_005591.4 (MANE Select); coding-DNA position 2039, T replaced by A.
Protein change: p.Val680Glu; replaces valine 680 with glutamic acid.
Molecular consequence: missense variant.
Genome position (GRCh38, 1-based): chr11:94,429,942, A>T on the plus strand (T>A on the coding strand, the complement: MRE11 is on the minus strand). VCF-style: chr11-94429942-A-T. GRCh37 (hg19) VCF-style: chr11-94163108-A-T.
Other names: c.2036T>A, p.Val679Glu (NM_001330347.2); c.1955T>A, p.Val652Glu (NM_005590.4); short protein forms V679E, V652E, V680E.
Identifiers: ClinVar variation 3874327 (VCV003874327.1).

ClinVar aggregate classification (germline): Uncertain significance (1 of 4 stars; one submission).

Conditions:
Hereditary cancer-predisposing syndrome. Also called: Tumor predisposition; Neoplastic Syndromes, Hereditary; Hereditary Cancer Syndrome; Hereditary neoplastic syndrome. Identifiers: Orphanet 140162, MedGen C0027672, MeSH D009386, MONDO:0015356.

Submission:

Ambry Genetics
Classification: Uncertain significance for Hereditary cancer-predisposing syndrome. Last evaluated: 2025-01-17. Review status: criteria provided, single submitter. Criteria: Ambry Variant Classification Scheme 2023. Collection method: clinical testing. Allele origin: germline.
Comment: The p.V680E variant (also known as c.2039T>A), located in coding exon 18 of the MRE11A gene, results from a T to A substitution at nucleotide position 2039. The valine at codon 680 is replaced by glutamic acid, an amino acid with dissimilar properties. This amino acid position is conserved. In addition, this alteration is predicted to be tolerated by in silico analysis. Based on the available evidence, the clinical significance of this variant remains unclear.